The following is an entry in ClinVar:

ClinVar aggregate classification (germline): Likely benign (1 of 4 stars; one submission).

Conditions:
Cardiomyopathy (CMYO). Also called: Cardiomyopathies. Identifiers: Orphanet 167848, MedGen C0878544, MONDO:0004994, HP:0001638. Inheritance: Various modes of inheritance.

Submission:

All of Us Research Program, National Institutes of Health
Classification: Likely benign for Cardiomyopathy. Last evaluated: 2023-10-06. Review status: criteria provided, single submitter. Criteria: ACMG Guidelines, 2015. Collection method: clinical testing. Allele origin: germline. Inheritance: Autosomal dominant inheritance. Observed: 1 variant allele, 1 heterozygote.
Comment: This study involves interpretation of variants in research participants for the purpose of population health screening. Participant phenotype was not available at the time of variant classification. Additional details can be found in publication PMID: 35346344, PMCID: PMC8962531

NM_000257.4(MYH7):c.3727-15T>C

Gene: MYH7 (myosin heavy chain 7; minus strand). Cytogenetic location: 14q11.2.
Variant type: single nucleotide variant.
Coding change: c.3727-15T>C on transcript NM_000257.4 (MANE Select); 15 bases into the intron before coding-DNA position 3727, T replaced by C.
Molecular consequence: intron variant.
Genome position (GRCh38, 1-based): chr14:23,419,624, A>G on the plus strand (T>C on the coding strand, the complement: MYH7 is on the minus strand). VCF-style: chr14-23419624-A-G. GRCh37 (hg19) VCF-style: chr14-23888833-A-G.
Other names: c.3727-15T>C (NM_001407004.1).
Identifiers: ClinVar variation 3073685 (VCV003073685.1), dbSNP rs1892384621, ClinGen allele CA2825002215.